The following is an entry in ClinVar:

NM_001085451.2(LNP1):c.228T>C (p.Phe76=)

Gene: LNP1 (leukemia NUP98 fusion partner 1; plus strand). Cytogenetic location: 3q12.2.
Variant type: single nucleotide variant.
Coding change: c.228T>C on transcript NM_001085451.2 (MANE Select); coding-DNA position 228, T replaced by C.
Protein change: p.Phe76=; no amino-acid change (phenylalanine 76 retained).
Molecular consequence: synonymous variant.
Genome position (GRCh38, 1-based): chr3:100,451,790, T>C. VCF-style: chr3-100451790-T-C. GRCh37 (hg19) VCF-style: chr3-100170634-T-C.
Identifiers: ClinVar variation 5038489 (VCV005038489.1).

ClinVar aggregate classification (germline): Likely benign (1 of 4 stars; one submission).

Submission:

CeGaT Center for Human Genetics Tuebingen
Classification: Likely benign. Last evaluated: 2026-08-01. Review status: criteria provided, single submitter. Criteria: CeGaT Center For Human Genetics Tuebingen Variant Classification Criteria Version 2. Collection method: clinical testing. Allele origin: germline. Affected: yes. Observed: 1 variant allele.
Comment: LNP1: BP4, BP7